The following is an entry in ClinVar:

ClinVar aggregate classification (germline): Uncertain significance. Review status: criteria provided, multiple submitters, no conflicts (2 of 4 stars). 2 submissions from 2 submitters: Uncertain significance (2). Last evaluated 2023-12-22.

Conditions:
Craniolenticulosutural dysplasia (CLSD). Also called: BOYADJIEV-JABS SYNDROME. Identifiers: Orphanet 50814, MedGen C1843042, MONDO:0011911, OMIM 607812.

Submissions (2):

Ambry Genetics
Classification: Uncertain significance. Last evaluated: 2023-12-22. Review status: criteria provided, single submitter. Criteria: Ambry Variant Classification Scheme 2023. Collection method: clinical testing. Allele origin: germline.

Labcorp Genetics (formerly Invitae), Labcorp
Classification: Uncertain significance for Craniolenticulosutural dysplasia. Last evaluated: 2021-01-18. Review status: criteria provided, single submitter. Criteria: Invitae Variant Classification Sherloc (09022015). Collection method: clinical testing. Allele origin: germline.
Comment: This sequence change replaces valine with isoleucine at codon 59 of the SEC23A protein (p.Val59Ile). The valine residue is highly conserved and there is a small physicochemical difference between valine and isoleucine. In summary, the available evidence is currently insufficient to determine the role of this variant in disease. Therefore, it has been classified as a Variant of Uncertain Significance. Algorithms developed to predict the effect of missense changes on protein structure and function are either unavailable or do not agree on the potential impact of this missense change (SIFT: "Not Available"; PolyPhen-2: "Benign"; Align-GVGD: "Not Available"). This variant has not been reported in the literature in individuals with SEC23A-related conditions. This variant is not present in population databases (ExAC no frequency).

NM_006364.4(SEC23A):c.175G>A (p.Val59Ile)

Gene: SEC23A (SEC23 homolog A, COPII component; minus strand). Cytogenetic location: 14q21.1.
Variant type: single nucleotide variant.
Coding change: c.175G>A on transcript NM_006364.4 (MANE Select); coding-DNA position 175, G replaced by A.
Protein change: p.Val59Ile; replaces valine 59 with isoleucine.
Molecular consequence: missense variant.
Genome position (GRCh38, 1-based): chr14:39,095,944, C>T on the plus strand (G>A on the coding strand, the complement: SEC23A is on the minus strand). VCF-style: chr14-39095944-C-T. GRCh37 (hg19) VCF-style: chr14-39565148-C-T.
Other names: c.175G>A (NM_006364.2); short protein forms V59I.
Identifiers: ClinVar variation 1365777 (VCV001365777.7), dbSNP rs1887872116, ClinGen allele CA389537652.